The following is an entry in ClinVar:

NM_004839.4(HOMER2):c.350C>T (p.Thr117Met)

Gene: HOMER2 (homer scaffold protein 2; minus strand). Cytogenetic location: 15q25.2.
Variant type: single nucleotide variant.
Coding change: c.350C>T on transcript NM_004839.4 (MANE Select); coding-DNA position 350, C replaced by T.
Protein change: p.Thr117Met; replaces threonine 117 with methionine.
Molecular consequence: missense variant.
Genome position (GRCh38, 1-based): chr15:82,864,204, G>A on the plus strand (C>T on the coding strand, the complement: HOMER2 is on the minus strand). VCF-style: chr15-82864204-G-A. GRCh37 (hg19) VCF-style: chr15-83532956-G-A.
Other names: c.350C>T, p.Thr117Met (NM_199330.3); c.350C>T (NM_004839.3); short protein forms T117M.
Identifiers: ClinVar variation 804911 (VCV000804911.3), dbSNP rs752489637, ClinGen allele CA7702208.

ClinVar aggregate classification (germline): Uncertain significance. Review status: criteria provided, multiple submitters, no conflicts (2 of 4 stars). 3 submissions from 3 submitters: Uncertain significance (3). Last evaluated 2025-09-20.

Conditions:
HOMER2-related disorder. Also called: HOMER2-related condition.
Inborn genetic diseases. Identifiers: MedGen C0950123, MeSH D030342.

Allele frequency attached by ClinVar (database versions not stated): gnomAD exomes 0.00005; gnomAD 0.00003 and 0.00004; TOPMed 0.00003; ExAC 0.00005.
gnomAD v4.1: 72 of 1,611,414 alleles (0.0045%); highest among the groups gnomAD compares: Middle Eastern, 0.016%; no homozygotes.

Submissions (3):

PreventionGenetics, part of Exact Sciences
Classification: Uncertain significance for HOMER2-related condition. Last evaluated: 2025-09-20. Review status: criteria provided, single submitter. Criteria: ACMG Guidelines, 2015. Collection method: clinical testing. Allele origin: germline.
Comment: The HOMER2 c.350C>T variant is predicted to result in the amino acid substitution p.Thr117Met. To our knowledge, this variant has not been reported in the literature. This variant is reported in 0.010% of alleles in individuals of Ashkenazi Jewish descent in gnomAD. At this time, the clinical significance of this variant is uncertain due to the absence of conclusive functional and genetic evidence.

Ambry Genetics
Classification: Uncertain significance for Inborn genetic diseases. Last evaluated: 2025-08-31. Review status: criteria provided, single submitter. Criteria: Ambry Variant Classification Scheme 2023. Collection method: clinical testing. Allele origin: germline.

Athena Diagnostics
Classification: Uncertain significance. Last evaluated: 2019-01-21. Review status: criteria provided, single submitter. Criteria: Athena Diagnostics Criteria. Collection method: clinical testing. Allele origin: germline.